The following is an entry in ClinVar:

ClinVar aggregate classification (germline): Uncertain significance (1 of 4 stars; one submission).

Conditions:
3-methylcrotonyl-CoA carboxylase 2 deficiency. Also called: METHYLCROTONYLGLYCINURIA, TYPE II; 3 alpha methylcrotonyl-CoA carboxylase 2 deficiency; 3 alpha methylcrotonylglycinuria 2; MCC 2 deficiency; Methylcrotonylglycinuria type 2. Identifiers: Orphanet 6, MedGen C1859499, MONDO:0008862, OMIM 210210.

Allele frequency attached by ClinVar (database versions not stated): TOPMed below 0.00001; ExAC 0.00001.

Submission:

Labcorp Genetics (formerly Invitae), Labcorp
Classification: Uncertain significance for 3-methylcrotonyl-CoA carboxylase 2 deficiency. Last evaluated: 2022-06-10. Review status: criteria provided, single submitter. Criteria: Invitae Variant Classification Sherloc (09022015). Collection method: clinical testing. Allele origin: germline.
Comment: This sequence change replaces lysine, which is basic and polar, with glutamic acid, which is acidic and polar, at codon 235 of the MCCC2 protein (p.Lys235Glu). This variant is present in population databases (rs771202427, gnomAD no frequency). This variant has not been reported in the literature in individuals affected with MCCC2-related conditions. Algorithms developed to predict the effect of missense changes on protein structure and function (SIFT, PolyPhen-2, Align-GVGD) all suggest that this variant is likely to be tolerated. In summary, the available evidence is currently insufficient to determine the role of this variant in disease. Therefore, it has been classified as a Variant of Uncertain Significance.

NM_022132.5(MCCC2):c.703A>G (p.Lys235Glu)

Gene: MCCC2 (methylcrotonyl-CoA carboxylase subunit 2; plus strand). Cytogenetic location: 5q13.2.
Variant type: single nucleotide variant.
Coding change: c.703A>G on transcript NM_022132.5 (MANE Select); coding-DNA position 703, A replaced by G.
Protein change: p.Lys235Glu; replaces lysine 235 with glutamic acid.
Molecular consequence: missense variant. On other transcripts: intron variant (1).
Genome position (GRCh38, 1-based): chr5:71,626,718, A>G. VCF-style: chr5-71626718-A-G. GRCh37 (hg19) VCF-style: chr5-70922545-A-G.
Other names: c.625-5403A>G (NM_001363147.1); short protein forms K235E.
Identifiers: ClinVar variation 2147085 (VCV002147085.1), dbSNP rs771202427, ClinGen allele CA3297846.